The following is an entry in ClinVar:

ClinVar aggregate classification (germline): Conflicting classifications of pathogenicity. Review status: criteria provided, conflicting classifications (1 of 4 stars). 4 submissions from 4 submitters: Uncertain significance (3); Likely benign (1). Last evaluated 2026-05-01.

Conditions:
Hereditary cancer-predisposing syndrome. Also called: Neoplastic Syndromes, Hereditary; Hereditary Cancer Syndrome; Tumor predisposition; Hereditary neoplastic syndrome. Identifiers: Orphanet 140162, MedGen C0027672, MeSH D009386, MONDO:0015356.
Familial adenomatous polyposis 1 (FAP1). Also called: FAMILIAL ADENOMATOUS POLYPOSIS 1, ATTENUATED; POLYPOSIS, ADENOMATOUS INTESTINAL. Identifiers: MedGen C2713442, MONDO:0021056, OMIM 175100. Disease mechanism: loss of function.

Allele frequency attached by ClinVar (database versions not stated): gnomAD exomes 0.00001 and below 0.00001.
gnomAD v4.1: 1 of 1,614,148 alleles (0.000062%); highest among the groups gnomAD compares: Non-Finnish European, 0.000085%; no homozygotes.

Submissions (4):

Ambry Genetics
Classification: Likely benign for Hereditary cancer-predisposing syndrome. Last evaluated: 2026-05-01. Review status: criteria provided, single submitter. Criteria: Ambry Variant Classification Scheme 2023. Collection method: clinical testing. Allele origin: germline.

Labcorp Genetics (formerly Invitae), Labcorp
Classification: Uncertain significance for Familial adenomatous polyposis 1. Last evaluated: 2026-02-03. Review status: criteria provided, single submitter. Criteria: Invitae Variant Classification Sherloc (09022015). Collection method: clinical testing. Allele origin: germline.
Comment: This sequence change replaces glutamic acid, which is acidic and polar, with alanine, which is neutral and non-polar, at codon 1136 of the APC protein (p.Glu1136Ala). This variant is present in population databases (no rsID available, gnomAD 0.002%). This variant has not been reported in the literature in individuals affected with APC-related conditions. ClinVar contains an entry for this variant (Variation ID: 236591). Invitae Evidence Modeling of protein sequence and biophysical properties (such as structural, functional, and spatial information, amino acid conservation, physicochemical variation, residue mobility, and thermodynamic stability) indicates that this missense variant is not expected to disrupt APC protein function with a negative predictive value of 95%. In summary, the available evidence is currently insufficient to determine the role of this variant in disease. Therefore, it has been classified as a Variant of Uncertain Significance.

GeneDx
Classification: Uncertain significance. Last evaluated: 2023-12-24. Review status: criteria provided, single submitter. Criteria: GeneDx Variant Classification Process June 2021. Collection method: clinical testing. Allele origin: germline. Affected: yes.
Comment: Not observed at significant frequency in large population cohorts (gnomAD); In silico analysis supports that this missense variant does not alter protein structure/function; Has not been previously published as pathogenic or benign to our knowledge; This variant is associated with the following publications: (PMID: 36653904, 18199528)

Baylor Genetics
Classification: Uncertain significance for Familial adenomatous polyposis 1. Last evaluated: 2023-11-30. Review status: criteria provided, single submitter. Criteria: ACMG Guidelines, 2015. Collection method: clinical testing. Allele origin: unknown.

NM_000038.6(APC):c.3407A>C (p.Glu1136Ala)

Gene: APC (APC regulator of Wnt signaling pathway; plus strand). Cytogenetic location: 5q22.2.
Variant type: single nucleotide variant.
Coding change: c.3407A>C on transcript NM_000038.6 (MANE Select); coding-DNA position 3407, A replaced by C.
Protein change: p.Glu1136Ala; replaces glutamic acid 1136 with alanine.
Molecular consequence: missense variant.
Genome position (GRCh38, 1-based): chr5:112,839,001, A>C. VCF-style: chr5-112839001-A-C. GRCh37 (hg19) VCF-style: chr5-112174698-A-C.
Other names: c.3407A>C, p.Glu1136Ala (NM_001127510.3, NM_001354895.2); c.3353A>C, p.Glu1118Ala (NM_001127511.3); c.3461A>C, p.Glu1154Ala (NM_001354896.2); c.3437A>C, p.Glu1146Ala (NM_001354897.2); c.3332A>C, p.Glu1111Ala (NM_001354898.2); c.3323A>C, p.Glu1108Ala (NM_001354899.2); c.3284A>C, p.Glu1095Ala (NM_001354900.2); c.3230A>C, p.Glu1077Ala (NM_001354901.2); and 5 more; short protein forms E1118A, E1136A, E1035A, E1077A, E1146A, E976A, E1045A, E1108A.
Identifiers: ClinVar variation 236591 (VCV000236591.19), dbSNP rs878853439, ClinGen allele CA10582308.